The following is an entry in ClinVar:

NM_005751.5(AKAP9):c.5601+6C>T

Gene: AKAP9 (A-kinase anchoring protein 9; plus strand). Cytogenetic location: 7q21.2.
Variant type: single nucleotide variant.
Coding change: c.5601+6C>T on transcript NM_005751.5 (MANE Select); 6 bases into the intron after coding-DNA position 5601, C replaced by T.
Molecular consequence: intron variant.
Genome position (GRCh38, 1-based): chr7:92,052,964, C>T. VCF-style: chr7-92052964-C-T. GRCh37 (hg19) VCF-style: chr7-91682278-C-T.
Other names: c.5601+6C>T (NM_147185.3).
Identifiers: ClinVar variation 2147615 (VCV002147615.4), dbSNP rs1172621708, ClinGen allele CA576705678.

ClinVar aggregate classification (germline): Uncertain significance (1 of 4 stars; one submission).

Conditions:
Long QT syndrome (LQTS). Identifiers: MedGen C0023976, MeSH D008133, MONDO:0002442. Disease mechanism: loss of function. Inheritance: Various modes of inheritance.

Allele frequency attached by ClinVar (database versions not stated): TOPMed below 0.00001; gnomAD exomes 0.00001; gnomAD 0.00002.
gnomAD v4.1: 16 of 1,599,286 alleles (0.001%); highest among the groups gnomAD compares: Middle Eastern, 0.033%; no homozygotes.

Submission:

Labcorp Genetics (formerly Invitae), Labcorp
Classification: Uncertain significance for Long QT syndrome. Last evaluated: 2026-01-06. Review status: criteria provided, single submitter. Criteria: Invitae Variant Classification Sherloc (09022015). Collection method: clinical testing. Allele origin: germline.
Comment: This sequence change falls in intron 22 of the AKAP9 gene. It does not directly change the encoded amino acid sequence of the AKAP9 protein. It affects a nucleotide within the consensus splice site. This variant is present in population databases (no rsID available, gnomAD 0.004%). This variant has not been reported in the literature in individuals affected with AKAP9-related conditions. ClinVar contains an entry for this variant (Variation ID: 2147615). Variants that disrupt the consensus splice site are a relatively common cause of aberrant splicing (PMID: 17576681, 9536098). Algorithms developed to predict the effect of sequence changes on RNA splicing suggest that this variant is not likely to affect RNA splicing. In summary, the available evidence is currently insufficient to determine the role of this variant in disease. Therefore, it has been classified as a Variant of Uncertain Significance.

Literature cited by the submitters: PubMed 17576681; PubMed 9536098.